The following is an entry in ClinVar:

NM_001792.5(CDH2):c.1343A>G (p.Lys448Arg)

Gene: CDH2 (cadherin 2; minus strand). Cytogenetic location: 18q12.1.
Variant type: single nucleotide variant.
Coding change: c.1343A>G on transcript NM_001792.5 (MANE Select); coding-DNA position 1343, A replaced by G.
Protein change: p.Lys448Arg; replaces lysine 448 with arginine.
Molecular consequence: missense variant.
Genome position (GRCh38, 1-based): chr18:27,992,656, T>C on the plus strand (A>G on the coding strand, the complement: CDH2 is on the minus strand). VCF-style: chr18-27992656-T-C. GRCh37 (hg19) VCF-style: chr18-25572620-T-C.
Other names: c.1250A>G, p.Lys417Arg (NM_001308176.2); short protein forms K448R, K417R.
Identifiers: ClinVar variation 3265232 (VCV003265232.3).

ClinVar aggregate classification (germline): Uncertain significance (1 of 4 stars; one submission).

Conditions:
Inborn genetic diseases. Identifiers: MedGen C0950123, MeSH D030342.

Submission:

Ambry Genetics
Classification: Uncertain significance for Inborn genetic diseases. Last evaluated: 2025-07-09. Review status: criteria provided, single submitter. Criteria: Ambry Variant Classification Scheme 2023. Collection method: clinical testing. Allele origin: germline.
Comment: The c.1343A>G (p.K448R) alteration is located in exon 9 (coding exon 9) of the CDH2 gene. This alteration results from an A to G substitution at nucleotide position 1343, causing the lysine (K) at amino acid position 448 to be replaced by an arginine (R). This variant was not reported in population-based cohorts in the Genome Aggregation Database (gnomAD). This amino acid position is highly conserved in available vertebrate species. The in silico prediction for this alteration is inconclusive. Based on insufficient or conflicting evidence, the clinical significance of this alteration remains unclear.